The following is an entry in ClinVar:

ClinVar aggregate classification (germline): Uncertain significance (1 of 4 stars; one submission).

Allele frequency attached by ClinVar (database versions not stated): gnomAD exomes below 0.00001.
gnomAD v4.1: 1 of 1,610,776 alleles (0.000062%); highest among the groups gnomAD compares: East Asian, 0.0022%; no homozygotes.

Submission:

Labcorp Genetics (formerly Invitae), Labcorp
Classification: Uncertain significance. Last evaluated: 2020-12-01. Review status: criteria provided, single submitter. Criteria: Invitae Variant Classification Sherloc (09022015). Collection method: clinical testing. Allele origin: germline.
Comment: This sequence change falls in intron 7 of the VAV1 gene. It does not directly change the encoded amino acid sequence of the VAV1 protein. It affects a nucleotide within the consensus splice site of the intron. This variant is not present in population databases (ExAC no frequency). This variant has not been reported in the literature in individuals with VAV1-related conditions. Nucleotide substitutions within the consensus splice site are a relatively common cause of aberrant splicing (PMID: 17576681, 9536098). Algorithms developed to predict the effect of sequence changes on RNA splicing suggest that this variant is not likely to affect RNA splicing, but this prediction has not been confirmed by published transcriptional studies. In summary, the available evidence is currently insufficient to determine the role of this variant in disease. Therefore, it has been classified as a Variant of Uncertain Significance.

Literature cited by the submitters: PubMed 17576681; PubMed 9536098.

NM_005428.4(VAV1):c.724-3T>C

Gene: VAV1 (vav guanine nucleotide exchange factor 1; plus strand). Cytogenetic location: 19p13.3.
Variant type: single nucleotide variant.
Coding change: c.724-3T>C on transcript NM_005428.4 (MANE Select); 3 bases into the intron before coding-DNA position 724, T replaced by C.
Molecular consequence: intron variant.
Genome position (GRCh38, 1-based): chr19:6,825,300, T>C. VCF-style: chr19-6825300-T-C. GRCh37 (hg19) VCF-style: chr19-6825311-T-C.
Other names: c.724-3T>C (NM_001258206.2); c.628-3T>C (NM_001258207.2).
Identifiers: ClinVar variation 1504670 (VCV001504670.1), dbSNP rs2144777024, ClinGen allele CA2573155973.